The following is an entry in ClinVar:

NM_030665.4(RAI1):c.3357C>T (p.Ser1119=)

Gene: RAI1 (retinoic acid induced 1; plus strand). Cytogenetic location: 17p11.2.
Variant type: single nucleotide variant.
Coding change: c.3357C>T on transcript NM_030665.4 (MANE Select); coding-DNA position 3357, C replaced by T.
Protein change: p.Ser1119=; no amino-acid change (serine 1119 retained).
Molecular consequence: synonymous variant.
Genome position (GRCh38, 1-based): chr17:17,796,305, C>T. VCF-style: chr17-17796305-C-T. GRCh37 (hg19) VCF-style: chr17-17699619-C-T.
Identifiers: ClinVar variation 96186 (VCV000096186.47), dbSNP rs139448147, ClinGen allele CA149333.

ClinVar aggregate classification (germline): Benign/Likely benign. Review status: criteria provided, multiple submitters, no conflicts (2 of 4 stars). 8 submissions from 8 submitters: Benign (4); Likely benign (3). 1 of the submissions does not count toward it. Last evaluated 2026-02-03.

Conditions:
RAI1-related disorder. Also called: RAI1-related condition.
Inborn genetic diseases. Identifiers: MedGen C0950123, MeSH D030342.

Allele frequency attached by ClinVar (database versions not stated): TOPMed 0.00062; gnomAD 0.00072 and 0.00076; gnomAD exomes 0.00072 and 0.00121; ExAC 0.00088; ESP Exome Variant Server 0.00100.
gnomAD v4.1: 1,866 of 1,608,746 alleles (0.12%); highest among the groups gnomAD compares: Non-Finnish European, 0.15%; no homozygotes.

Submissions (8):

Labcorp Genetics (formerly Invitae), Labcorp
Classification: Benign. Last evaluated: 2026-02-03. Review status: criteria provided, single submitter. Criteria: Invitae Variant Classification Sherloc (09022015). Collection method: clinical testing. Allele origin: germline.

CeGaT Center for Human Genetics Tuebingen
Classification: Likely benign. Last evaluated: 2026-01-01. Review status: criteria provided, single submitter. Criteria: CeGaT Center For Human Genetics Tuebingen Variant Classification Criteria Version 2. Collection method: clinical testing. Allele origin: germline. Affected: yes. Observed: 7 variant alleles.
Comment: RAI1: BP4, BP7, BS1

Blueprint Genetics
Classification: Likely benign. Last evaluated: 2024-11-21. Review status: criteria provided, single submitter. Criteria: ACMG Guidelines, 2015. Collection method: clinical testing. Allele origin: germline.

Genetic Services Laboratory, University of Chicago
Classification: Benign. Last evaluated: 2021-05-24. Review status: criteria provided, single submitter. Criteria: ACMG Guidelines, 2015. Collection method: clinical testing. Allele origin: germline. Affected: no.

GeneDx
Classification: Benign. Last evaluated: 2018-10-29. Review status: criteria provided, single submitter. Criteria: GeneDx Variant Classification Process June 2021. Collection method: clinical testing. Allele origin: germline. Affected: yes.

Ambry Genetics
Classification: Likely benign for Inborn genetic diseases. Last evaluated: 2017-04-17. Review status: criteria provided, single submitter. Criteria: Ambry Variant Classification Scheme 2023. Collection method: clinical testing. Allele origin: germline.

Eurofins Ntd Llc (ga)
Classification: Benign. Last evaluated: 2013-06-03. Review status: criteria provided, single submitter. Criteria: EGL Classification Definitions 2015. Collection method: clinical testing. Allele origin: germline. Observed: 1 variant allele, 1 heterozygote.

PreventionGenetics, part of Exact Sciences
Classification: Likely benign for RAI1-related condition. Last evaluated: 2019-03-25. Review status: no assertion criteria provided. Collection method: clinical testing. Allele origin: germline. Not counted in ClinVar's aggregate classification.
Comment: This variant is classified as likely benign based on ACMG/AMP sequence variant interpretation guidelines (Richards et al. 2015 PMID: 25741868, with internal and published modifications).